The following is an entry in ClinVar:

ClinVar aggregate classification (germline): Uncertain significance (1 of 4 stars; one submission).

Conditions:
Cardiomyopathy (CMYO). Also called: Cardiomyopathies. Identifiers: Orphanet 167848, MedGen C0878544, MONDO:0004994, HP:0001638. Inheritance: Various modes of inheritance.

Allele frequency attached by ClinVar (database versions not stated): TOPMed below 0.00001.
gnomAD v4.1: 4 of 1,614,090 alleles (0.00025%); highest among the groups gnomAD compares: Non-Finnish European, 0.00025%; no homozygotes.

Submission:

Color Diagnostics, LLC DBA Color Health
Classification: Uncertain significance for Cardiomyopathy. Last evaluated: 2024-03-06. Review status: criteria provided, single submitter. Criteria: ACMG Guidelines, 2015. Collection method: clinical testing. Allele origin: germline.
Comment: This missense variant replaces proline with leucine at codon 252 of the DSG2 protein. Computational prediction suggests that this variant may not impact protein structure and function (internally defined REVEL score threshold <= 0.5, PMID: 27666373). To our knowledge, functional studies have not been reported for this variant. This variant has not been reported in individuals affected with cardiovascular disorders in the literature. This variant has not been identified in the general population by the Genome Aggregation Database (gnomAD). The available evidence is insufficient to determine the role of this variant in disease conclusively. Therefore, this variant is classified as a Variant of Uncertain Significance.

NM_001943.5(DSG2):c.755C>T (p.Pro252Leu)

Gene: DSG2 (desmoglein 2; plus strand). Cytogenetic location: 18q12.1.
Variant type: single nucleotide variant.
Coding change: c.755C>T on transcript NM_001943.5 (MANE Select); coding-DNA position 755, C replaced by T.
Protein change: p.Pro252Leu; replaces proline 252 with leucine.
Molecular consequence: missense variant.
Genome position (GRCh38, 1-based): chr18:31,524,512, C>T. VCF-style: chr18-31524512-C-T. GRCh37 (hg19) VCF-style: chr18-29104475-C-T.
Other names: short protein forms P252L.
Identifiers: ClinVar variation 1171829 (VCV001171829.3), dbSNP rs956696163, ClinGen allele CA297731880.
Genomic context (GRCh38, chr18:31,524,512, plus strand): 5'-ACAGCAGCTACACTTTGACAGTAGAAGCAAGAGATGGCAATGGAGAAGTTACAGACAAAC[C>T]TGTAAAACAAGCTCAAGTTCAGATTCGTATTTTGGATGTCAATGACAATATACCTGTAGT-3'
Protein context (NP_001934.2, residues 242-262): RDGNGEVTDK[Pro252Leu]VKQAQVQIRI